The following is an entry in ClinVar:

NM_183065.4(TMEM107):c.*752T>C

Gene: TMEM107 (transmembrane protein 107; minus strand). Cytogenetic location: 17p13.1.
Variant type: single nucleotide variant.
Coding change: c.*752T>C on transcript NM_183065.4 (MANE Select); 752 bases downstream of the stop codon, T replaced by C.
Molecular consequence: 3 prime UTR variant. On other transcripts: non-coding transcript variant (1).
Genome position (GRCh38, 1-based): chr17:8,173,451, A>G on the plus strand (T>C on the coding strand, the complement: TMEM107 is on the minus strand). VCF-style: chr17-8173451-A-G. GRCh37 (hg19) VCF-style: chr17-8076769-A-G.
Other names: c.*752T>C (NM_001351278.2, NM_001351279.2, NM_001351280.2 and 1 more transcripts).
Identifiers: ClinVar variation 3031501 (VCV003031501.3), dbSNP rs201373697, ClinGen allele CA8370557.

ClinVar aggregate classification (germline): Uncertain significance. Review status: criteria provided, single submitter (1 of 4 stars). 2 submissions from 2 submitters: Uncertain significance (1). 1 of the submissions does not count toward it. Last evaluated 2024-11-06.

Conditions:
TMEM107-related disorder. Also called: TMEM107-related condition.

Allele frequency attached by ClinVar (database versions not stated): 1000 Genomes Project 30x 0.00031; 1000 Genomes Project 0.00040; ESP Exome Variant Server 0.00087.

Submissions (2):

Blueprint Genetics
Classification: Uncertain significance. Last evaluated: 2024-11-06. Review status: criteria provided, single submitter. Criteria: ACMG Guidelines, 2015. Collection method: clinical testing. Allele origin: germline.

PreventionGenetics, part of Exact Sciences
Classification: Likely benign for TMEM107-related condition. Last evaluated: 2021-03-31. Review status: no assertion criteria provided. Collection method: clinical testing. Allele origin: germline. Not counted in ClinVar's aggregate classification.
Comment: This variant is classified as likely benign based on ACMG/AMP sequence variant interpretation guidelines (Richards et al. 2015 PMID: 25741868, with internal and published modifications).